The following is an entry in ClinVar:

ClinVar aggregate classification (germline): Uncertain significance. Review status: criteria provided, multiple submitters, no conflicts (2 of 4 stars). 2 submissions from 2 submitters: Uncertain significance (2). Last evaluated 2025-07-23.

Conditions:
Cardiovascular phenotype. Identifiers: MedGen CN230736.
Hereditary cancer-predisposing syndrome. Also called: Neoplastic Syndromes, Hereditary; Tumor predisposition; Hereditary Cancer Syndrome; Hereditary neoplastic syndrome. Identifiers: Orphanet 140162, MedGen C0027672, MeSH D009386, MONDO:0015356.

Allele frequency attached by ClinVar (database versions not stated): gnomAD exomes below 0.00001.
gnomAD v4.1: 1 of 1,600,194 alleles (0.000062%); highest among the groups gnomAD compares: Non-Finnish European, 0.000085%; no homozygotes.

Submissions (2):

Labcorp Genetics (formerly Invitae), Labcorp
Classification: Uncertain significance. Last evaluated: 2025-07-23. Review status: criteria provided, single submitter. Criteria: Invitae Variant Classification Sherloc (09022015). Collection method: clinical testing. Allele origin: germline.
Comment: This sequence change replaces glutamine, which is neutral and polar, with proline, which is neutral and non-polar, at codon 526 of the LZTR1 protein (p.Gln526Pro). This variant is not present in population databases (gnomAD no frequency). This variant has not been reported in the literature in individuals affected with LZTR1-related conditions. ClinVar contains an entry for this variant (Variation ID: 1775609). Invitae Evidence Modeling of protein sequence and biophysical properties (such as structural, functional, and spatial information, amino acid conservation, physicochemical variation, residue mobility, and thermodynamic stability) indicates that this missense variant is not expected to disrupt LZTR1 protein function with a negative predictive value of 80%. In summary, the available evidence is currently insufficient to determine the role of this variant in disease. Therefore, it has been classified as a Variant of Uncertain Significance.

Ambry Genetics
Classification: Uncertain significance for Cardiovascular phenotype; Hereditary cancer-predisposing syndrome. Last evaluated: 2025-06-10. Review status: criteria provided, single submitter. Criteria: Ambry Variant Classification Scheme 2023. Collection method: clinical testing. Allele origin: germline.
Comment: The p.Q526P variant (also known as c.1577A>C), located in coding exon 14 of the LZTR1 gene, results from an A to C substitution at nucleotide position 1577. The glutamine at codon 526 is replaced by proline, an amino acid with similar properties. This amino acid position is highly conserved in available vertebrate species. In addition, this alteration is predicted to be deleterious by in silico analysis. Based on the available evidence, the clinical significance of this variant remains unclear.

NM_006767.4(LZTR1):c.1577A>C (p.Gln526Pro)

Gene: LZTR1 (leucine zipper like post translational regulator 1; plus strand). Cytogenetic location: 22q11.21.
Variant type: single nucleotide variant.
Coding change: c.1577A>C on transcript NM_006767.4 (MANE Select); coding-DNA position 1577, A replaced by C.
Protein change: p.Gln526Pro; replaces glutamine 526 with proline.
Molecular consequence: missense variant.
Genome position (GRCh38, 1-based): chr22:20,994,231, A>C. VCF-style: chr22-20994231-A-C. GRCh37 (hg19) VCF-style: chr22-21348520-A-C.
Other names: short protein forms Q526P.
Identifiers: ClinVar variation 1775609 (VCV001775609.8), dbSNP rs1601721402, ClinGen allele CA410776077.